The following is an entry in ClinVar:

NM_024496.4(IRF2BPL):c.1280C>T (p.Ser427Leu)

Gene: IRF2BPL (interferon regulatory factor 2 binding protein like; minus strand). Cytogenetic location: 14q24.3.
Variant type: single nucleotide variant.
Coding change: c.1280C>T on transcript NM_024496.4 (MANE Select); coding-DNA position 1280, C replaced by T.
Protein change: p.Ser427Leu; replaces serine 427 with leucine.
Molecular consequence: missense variant.
Genome position (GRCh38, 1-based): chr14:77,026,513, G>A on the plus strand (C>T on the coding strand, the complement: IRF2BPL is on the minus strand). VCF-style: chr14-77026513-G-A. GRCh37 (hg19) VCF-style: chr14-77492856-G-A.
Other names: short protein forms S427L.
Identifiers: ClinVar variation 1310310 (VCV001310310.2), dbSNP rs2140377814, ClinGen allele CA390494991.

ClinVar aggregate classification (germline): Uncertain significance (1 of 4 stars; one submission).

Submission:

GeneDx
Classification: Uncertain significance. Last evaluated: 2019-11-20. Review status: criteria provided, single submitter. Criteria: GeneDx Variant Classification Process June 2021. Collection method: clinical testing. Allele origin: germline. Affected: yes.
Comment: Not observed in large population cohorts (Lek et al., 2016); In silico analysis, which includes protein predictors and evolutionary conservation, supports a deleterious effect; Has not been previously published as pathogenic or benign to our knowledge